The following is an entry in ClinVar:

NM_006230.4(POLD2):c.-58C>T

Gene: POLD2 (DNA polymerase delta 2, accessory subunit; minus strand). Cytogenetic location: 7p13.
Variant type: single nucleotide variant.
Coding change: c.-58C>T on transcript NM_006230.4 (MANE Select); 58 bases upstream of the start codon, C replaced by T.
Molecular consequence: 5 prime UTR variant.
Genome position (GRCh38, 1-based): chr7:44,123,512, G>A on the plus strand (C>T on the coding strand, the complement: POLD2 is on the minus strand). VCF-style: chr7-44123512-G-A. GRCh37 (hg19) VCF-style: chr7-44163111-G-A.
Other names: c.-231C>T (NM_001127218.3); c.-654C>T (NM_001256879.2).
Identifiers: ClinVar variation 4764972 (VCV004764972.1).

ClinVar aggregate classification (germline): Uncertain significance (1 of 4 stars; one submission).

gnomAD v4.1: 2 of 1,482,494 alleles (0.00013%); highest among the groups gnomAD compares: Non-Finnish European, 0.00018%; no homozygotes.

Submission:

Labcorp Genetics (formerly Invitae), Labcorp
Classification: Uncertain significance. Last evaluated: 2025-03-03. Review status: criteria provided, single submitter. Criteria: Invitae Variant Classification Sherloc (09022015). Collection method: clinical testing. Allele origin: germline.
Comment: This sequence change affects codon 16 of the POLD2 mRNA. It is a 'silent' change, meaning that it does not change the encoded amino acid sequence of the POLD2 protein. It affects a nucleotide within the consensus splice site. This variant is not present in population databases (gnomAD no frequency). This variant has not been reported in the literature in individuals affected with POLD2-related conditions. Algorithms developed to predict the effect of sequence changes on RNA splicing suggest that this variant is not likely to affect RNA splicing. In summary, the available evidence is currently insufficient to determine the role of this variant in disease. Therefore, it has been classified as a Variant of Uncertain Significance.